The following is an entry in ClinVar:

ClinVar aggregate classification (germline): Benign/Likely benign. Review status: criteria provided, multiple submitters, no conflicts (2 of 4 stars). 5 submissions from 5 submitters: Benign (1); Likely benign (3). 1 of the submissions does not count toward it. Last evaluated 2025-10-19.

Conditions:
MEN1-related disorder. Also called: MEN1-related condition.
Hereditary cancer-predisposing syndrome. Also called: Hereditary Cancer Syndrome; Hereditary neoplastic syndrome; Tumor predisposition; Neoplastic Syndromes, Hereditary. Identifiers: Orphanet 140162, MedGen C0027672, MeSH D009386, MONDO:0015356.
Multiple endocrine neoplasia, type 1 (MEN1). Also called: MEN I; WERMER SYNDROME; Endocrine adenomatosis multiple; MEN 1; MEA I. Identifiers: Orphanet 652, MedGen C0025267, MeSH D018761, MONDO:0007540, OMIM 131100.

Allele frequency attached by ClinVar (database versions not stated): gnomAD 0.00001; TOPMed 0.00003; ESP Exome Variant Server 0.00008.
gnomAD v4.1: 11 of 1,614,042 alleles (0.00068%); highest among the groups gnomAD compares: African/African-American, 0.004%; no homozygotes.

Submissions (5):

Labcorp Genetics (formerly Invitae), Labcorp
Classification: Likely benign for Multiple endocrine neoplasia, type 1. Last evaluated: 2025-10-19. Review status: criteria provided, single submitter. Criteria: Invitae Variant Classification Sherloc (09022015). Collection method: clinical testing. Allele origin: germline.

Myriad Genetics, Inc.
Classification: Benign for Multiple endocrine neoplasia, type 1. Last evaluated: 2024-11-05. Review status: criteria provided, single submitter. Criteria: Myriad Autosomal Dominant, Autosomal Recessive and X-Linked Classification Criteria (2023). Collection method: clinical testing. Allele origin: unknown.
Comment: This variant is considered benign. This variant is a silent/synonymous amino acid change and it is not expected to impact splicing.

All of Us Research Program, National Institutes of Health
Classification: Likely benign for Multiple endocrine neoplasia, type 1. Last evaluated: 2023-06-26. Review status: criteria provided, single submitter. Criteria: ACMG Guidelines, 2015. Collection method: clinical testing. Allele origin: germline. Inheritance: Autosomal dominant inheritance. Observed: 3 variant alleles, 3 heterozygotes.
Comment: This study involves interpretation of variants in research participants for the purpose of population health screening. Participant phenotype was not available at the time of variant classification. Additional details can be found in publication PMID: 35346344, PMCID: PMC8962531

Ambry Genetics
Classification: Likely benign for Hereditary cancer-predisposing syndrome. Last evaluated: 2018-03-29. Review status: criteria provided, single submitter. Criteria: Ambry Variant Classification Scheme 2023. Collection method: clinical testing. Allele origin: germline.

PreventionGenetics, part of Exact Sciences
Classification: Likely benign for MEN1-related condition. Last evaluated: 2019-10-07. Review status: no assertion criteria provided. Collection method: clinical testing. Allele origin: germline. Not counted in ClinVar's aggregate classification.
Comment: This variant is classified as likely benign based on ACMG/AMP sequence variant interpretation guidelines (Richards et al. 2015 PMID: 25741868, with internal and published modifications).

NM_001370259.2(MEN1):c.1287G>A (p.Thr429=)

Gene: MEN1 (menin 1; minus strand). Cytogenetic location: 11q13.1.
Variant type: single nucleotide variant.
Coding change: c.1287G>A on transcript NM_001370259.2 (MANE Select); coding-DNA position 1287, G replaced by A.
Protein change: p.Thr429=; no amino-acid change (threonine 429 retained).
Molecular consequence: synonymous variant.
Genome position (GRCh38, 1-based): chr11:64,805,097, C>T on the plus strand (G>A on the coding strand, the complement: MEN1 is on the minus strand). VCF-style: chr11-64805097-C-T. GRCh37 (hg19) VCF-style: chr11-64572569-C-T.
Other names: c.1302G>A (NM_000244.3); c.1302G>A, p.Thr434= (NM_000244.4, NM_130800.3, NM_130801.3 and 3 more transcripts); c.1413G>A, p.Thr471= (NM_001370251.2); c.1287G>A, p.Thr429= (NM_001370260.2, NM_001370261.2, NM_130799.3); c.1182G>A, p.Thr394= (NM_001370262.2, NM_001370263.2).
Identifiers: ClinVar variation 457286 (VCV000457286.20), dbSNP rs376598079, ClinGen allele CA060353.